The following is an entry in ClinVar:

ClinVar aggregate classification (germline): Likely pathogenic (1 of 4 stars; one submission).

Conditions:
Mucopolysaccharidosis type 6 (MPS6). Also called: ARSB DEFICIENCY; ARYLSULFATASE B DEFICIENCY; MPS 6; Maroteaux Lamy syndrome; MPS VI; N-ACETYLGALACTOSAMINE-4-SULFATASE DEFICIENCY. Identifiers: Orphanet 583, MedGen C0026709, MONDO:0009661, OMIM 253200.

Submission:

Precision Medical Center, Wuhan Children's Hospital
Classification: Likely pathogenic for Mucopolysaccharidosis type 6. Review status: criteria provided, single submitter. Criteria: ACMG Guidelines, 2015. Collection method: clinical testing. Allele origin: germline. Affected: yes.
Comment: fulfilling criteria PM1 (occurs within a mutational hot spot), PM2-Supporting (rarity in population databases), PM5 (the missense variant p.Gly303Glu classified as pathogenic variant), and PP3 (in silico pathogenicity predictions).

Literature cited by the submitters: PubMed 18486607.

NM_000046.5(ARSB):c.908G>T (p.Gly303Val)

Gene: ARSB (arylsulfatase B; minus strand). Cytogenetic location: 5q14.1.
Variant type: single nucleotide variant.
Coding change: c.908G>T on transcript NM_000046.5 (MANE Select); coding-DNA position 908, G replaced by T.
Protein change: p.Gly303Val; replaces glycine 303 with valine.
Molecular consequence: missense variant.
Genome position (GRCh38, 1-based): chr5:78,885,818, C>A on the plus strand (G>T on the coding strand, the complement: ARSB is on the minus strand). VCF-style: chr5-78885818-C-A. GRCh37 (hg19) VCF-style: chr5-78181641-C-A.
Other names: c.908G>T, p.Gly303Val (NM_198709.3); short protein forms G303V.
Identifiers: ClinVar variation 3391172 (VCV003391172.2).